The following is an entry in ClinVar:

NM_005359.6(SMAD4):c.21G>A (p.Thr7=)

Gene: SMAD4 (SMAD family member 4; plus strand). Cytogenetic location: 18q21.2.
Variant type: single nucleotide variant.
Coding change: c.21G>A on transcript NM_005359.6 (MANE Select); coding-DNA position 21, G replaced by A.
Protein change: p.Thr7=; no amino-acid change (threonine 7 retained).
Molecular consequence: synonymous variant.
Genome position (GRCh38, 1-based): chr18:51,047,067, G>A. VCF-style: chr18-51047067-G-A. GRCh37 (hg19) VCF-style: chr18-48573437-G-A.
Other names: p.Thr7=.
Identifiers: ClinVar variation 183887 (VCV000183887.71), dbSNP rs142292491, ClinGen allele CA186871.

ClinVar aggregate classification (germline): Conflicting classifications of pathogenicity. Review status: criteria provided, conflicting classifications (1 of 4 stars). 21 submissions from 19 submitters: Uncertain significance (2); Benign (4); Likely benign (10). 5 of the submissions do not count toward it. Last evaluated 2026-03-01.

Conditions:
SMAD4-related disorder. Also called: SMAD4-related condition; SMAD4-Related disorders.
Familial thoracic aortic aneurysm and aortic dissection (TAAD). Also called: Thoracic aortic aneurysms and dissections. Identifiers: Orphanet 91387, MedGen C4707243, MONDO:0019625.
Hereditary cancer-predisposing syndrome. Also called: Tumor predisposition; Neoplastic Syndromes, Hereditary; Hereditary Cancer Syndrome; Hereditary neoplastic syndrome. Identifiers: Orphanet 140162, MedGen C0027672, MeSH D009386, MONDO:0015356.
Juvenile polyposis syndrome (JPS). Identifiers: Orphanet 2929, MedGen C0345893, MONDO:0017380, OMIM 174900.
Myhre syndrome (MYHRS). Also called: LARYNGOTRACHEAL STENOSIS, ARTHROPATHY, PROGNATHISM, AND SHORT STATURE; LAPS SYNDROME. Identifiers: Orphanet 2588, MedGen C0796081, MONDO:0007688, OMIM 139210.
Juvenile polyposis/hereditary hemorrhagic telangiectasia syndrome (JPHT). Also called: Juvenile Polyposis Syndrome / Hereditary Hemorrhagic Telangiectasia (JPS/HHT); JP/HHT SYNDROME; JUVENILE POLYPOSIS WITH HEREDITARY HEMORRHAGIC TELANGIECTASIA; POLYPOSIS, GENERALIZED JUVENILE, WITH PULMONARY ARTERIOVENOUS MALFORMATION; TELANGIECTASIA, HEREDITARY HEMORRHAGIC, WITH JUVENILE POLYPOSIS COLI. Identifiers: Orphanet 2929, MedGen C1832942, MONDO:0008278, OMIM 175050.
Generalized juvenile polyposis/juvenile polyposis coli. Also called: Juvenile polyposis coli. Identifiers: Orphanet 329971, MedGen C1868081, MONDO:0008276.

Allele frequency attached by ClinVar (database versions not stated): ExAC 0.00006; gnomAD exomes 0.00006; gnomAD 0.00010; TOPMed 0.00011; ESP Exome Variant Server 0.00023.
gnomAD v4.1: 165 of 1,613,538 alleles (0.01%); highest among the groups gnomAD compares: Non-Finnish European, 0.013%; 1 homozygote.

Submissions (21):

CeGaT Center for Human Genetics Tuebingen
Classification: Likely benign. Last evaluated: 2026-03-01. Review status: criteria provided, single submitter. Criteria: CeGaT Center For Human Genetics Tuebingen Variant Classification Criteria Version 2. Collection method: clinical testing. Allele origin: germline. Affected: yes. Observed: 3 variant alleles.
Comment: SMAD4: BP4, BP7

Labcorp Genetics (formerly Invitae), Labcorp
Classification: Likely benign for Juvenile polyposis syndrome. Last evaluated: 2026-02-01. Review status: criteria provided, single submitter. Criteria: Invitae Variant Classification Sherloc (09022015). Collection method: clinical testing. Allele origin: germline.

Mayo Clinic Laboratories, Mayo Clinic
Classification: Likely benign. Last evaluated: 2025-03-18. Review status: criteria provided, single submitter. Criteria: ACMG Guidelines, 2015. Collection method: clinical testing. Allele origin: germline. Observed: 2 variant alleles.
Comment: BS1, BP4, BP7

Center for Genomic Medicine, Rigshospitalet, Copenhagen University Hospital
Classification: Likely benign. Last evaluated: 2025-03-04. Review status: criteria provided, single submitter. Criteria: ACMG Guidelines, 2015. Collection method: clinical testing. Allele origin: germline.

Blueprint Genetics
Classification: Likely benign. Last evaluated: 2024-06-26. Review status: criteria provided, single submitter. Criteria: ACMG Guidelines, 2015. Collection method: clinical testing. Allele origin: germline.

All of Us Research Program, National Institutes of Health
Classification: Likely benign for Juvenile polyposis/hereditary hemorrhagic telangiectasia syndrome. Last evaluated: 2024-02-05. Review status: criteria provided, single submitter. Criteria: ACMG Guidelines, 2015. Collection method: clinical testing. Allele origin: germline. Inheritance: Autosomal dominant inheritance. Observed: 27 variant alleles, 27 heterozygotes.
Comment: This study involves interpretation of variants in research participants for the purpose of population health screening. Participant phenotype was not available at the time of variant classification. Additional details can be found in publication PMID: 35346344, PMCID: PMC8962531

Myriad Genetics, Inc.
Classification: Benign for Juvenile polyposis/hereditary hemorrhagic telangiectasia syndrome. Last evaluated: 2023-04-10. Review status: criteria provided, single submitter. Criteria: Myriad Autosomal Dominant, Autosomal Recessive and X-Linked Classification Criteria (2023). Collection method: clinical testing. Allele origin: unknown.
Comment: This variant is considered benign. This variant is a silent/synonymous amino acid change and it is not expected to impact splicing.

Women's Health and Genetics/Laboratory Corporation of America, LabCorp
Classification: Benign. Last evaluated: 2022-03-21. Review status: criteria provided, single submitter. Criteria: LabCorp Variant Classification Summary - May 2015. Collection method: clinical testing. Allele origin: germline.

Sema4
Classification: Likely benign for Hereditary cancer-predisposing syndrome. Last evaluated: 2022-01-03. Review status: criteria provided, single submitter. Criteria: Sema4 Curation Guidelines. Collection method: curation. Allele origin: germline.

Illumina Laboratory Services, Illumina
Classification: Uncertain significance for Juvenile polyposis syndrome. Last evaluated: 2018-01-13. Review status: criteria provided, single submitter. Criteria: ICSL Variant Classification Criteria 13 December 2019. Collection method: clinical testing. Allele origin: germline.

Illumina Laboratory Services, Illumina
Classification: Uncertain significance for Juvenile polyposis/hereditary hemorrhagic telangiectasia syndrome. Last evaluated: 2018-01-13. Review status: criteria provided, single submitter. Criteria: ICSL Variant Classification Criteria 13 December 2019. Collection method: clinical testing. Allele origin: germline.

Illumina Laboratory Services, Illumina
Classification: Likely benign for Myhre syndrome. Last evaluated: 2018-01-13. Review status: criteria provided, single submitter. Criteria: ICSL Variant Classification Criteria 13 December 2019. Collection method: clinical testing. Allele origin: germline.
Comment: This variant was observed in the ICSL laboratory as part of a predisposition screen in an ostensibly healthy population. It had not been previously curated by ICSL or reported in the Human Gene Mutation Database (HGMD: prior to June 1st, 2018), and was therefore a candidate for classification through an automated scoring system. Utilizing variant allele frequency, disease prevalence and penetrance estimates, and inheritance mode, an automated score was calculated to assess if this variant is too frequent to cause the disease. Based on the score and internal cut-off values, a variant classified as likely benign is not then subjected to further curation. The score for this variant resulted in a classification of likely benign for this disease.

Quest Diagnostics Nichols Institute San Juan Capistrano
Classification: Benign. Last evaluated: 2018-01-02. Review status: criteria provided, single submitter. Criteria: Quest Diagnostics criteria. Collection method: clinical testing. Allele origin: unknown.

Color Diagnostics, LLC DBA Color Health
Classification: Likely benign for Hereditary cancer-predisposing syndrome. Last evaluated: 2016-03-21. Review status: criteria provided, single submitter. Criteria: ACMG Guidelines, 2015. Collection method: clinical testing. Allele origin: germline.

GeneDx
Classification: Benign. Last evaluated: 2015-03-03. Review status: criteria provided, single submitter. Criteria: GeneDx Variant Classification Process June 2021. Collection method: clinical testing. Allele origin: germline. Affected: yes.

Ambry Genetics
Classification: Likely benign for Hereditary cancer-predisposing syndrome; Familial thoracic aortic aneurysm and aortic dissection. Last evaluated: 2015-02-04. Review status: criteria provided, single submitter. Criteria: Ambry Variant Classification Scheme 2023. Collection method: clinical testing. Allele origin: germline.

PreventionGenetics, part of Exact Sciences
Classification: Likely benign for SMAD4-related condition. Last evaluated: 2019-05-13. Review status: no assertion criteria provided. Collection method: clinical testing. Allele origin: germline. Not counted in ClinVar's aggregate classification.
Comment: This variant is classified as likely benign based on ACMG/AMP sequence variant interpretation guidelines (Richards et al. 2015 PMID: 25741868, with internal and published modifications).

Counsyl
Classification: Likely benign for Juvenile polyposis syndrome. Last evaluated: 2016-11-09. Review status: no assertion criteria provided. Collection method: clinical testing. Allele origin: unknown. Not counted in ClinVar's aggregate classification.

Clinical Genetics Laboratory, Department of Pathology, Netherlands Cancer Institute
Classification: Likely benign. Review status: no assertion criteria provided. Collection method: clinical testing. Allele origin: germline. Affected: yes. Study: VKGL Data-share Consensus. Not counted in ClinVar's aggregate classification.

Diagnostic Laboratory, Department of Genetics, University Medical Center Groningen
Classification: Likely benign. Review status: no assertion criteria provided. Collection method: clinical testing. Allele origin: germline. Affected: yes. Study: VKGL Data-share Consensus. Not counted in ClinVar's aggregate classification.

Joint Genome Diagnostic Labs from Nijmegen and Maastricht, Radboudumc and MUMC+
Classification: Likely benign. Review status: no assertion criteria provided. Collection method: clinical testing. Allele origin: germline. Affected: yes. Study: VKGL Data-share Consensus. Not counted in ClinVar's aggregate classification.

Literature cited by the submitters: PubMed 36243179 (cited by Mayo Clinic Laboratories, Mayo Clinic).